The following is an entry in ClinVar:

ClinVar aggregate classification (germline): Likely benign (1 of 4 stars; one submission).

Submission:

CeGaT Center for Human Genetics Tuebingen
Classification: Likely benign. Last evaluated: 2022-11-01. Review status: criteria provided, single submitter. Criteria: CeGaT Center For Human Genetics Tuebingen Variant Classification Criteria Version 2. Collection method: clinical testing. Allele origin: germline. Affected: yes. Observed: 1 variant allele.
Comment: FAM27A: BP4, BP7

NC_000001.11:g.125066636G>T

Variant type: single nucleotide variant.
Genome position: GRCh38 VCF-style: chr1-125066636-G-T.
Identifiers: ClinVar variation 2659222 (VCV002659222.23), dbSNP rs373781881, ClinGen allele CA1197486059.